The following is an entry in ClinVar:

NM_015338.6(ASXL1):c.4118_4134del (p.Thr1372_Phe1373insTer)

Gene: ASXL1 (ASXL transcriptional regulator 1; plus strand). Cytogenetic location: 20q11.21.
Variant type: Deletion.
Coding change: c.4118_4134del on transcript NM_015338.6 (MANE Select); coding-DNA positions 4118 to 4134, 17 bases deleted (TTGTGGGGGGTCCTCTT).
Protein change: p.Thr1372_Phe1373insTer.
Molecular consequence: nonsense.
Genome position (GRCh38, 1-based): chr20:32,436,830-32,436,846, TTGTGGGGGGTCCTCTT deleted; deleting any 17 consecutive bases within chr20:32,436,827-32,436,846 gives the same sequence; the c. name uses the placement nearest the transcript's 3' end. VCF-style (leftmost placement, unchanged base first): chr20-32436826-ACTTTTGTGGGGGGTCCT-A. GRCh37 (hg19) VCF-style: chr20-31024629-ACTTTTGTGGGGGGTCCT-A.
Other names: c.3935_3951del, p.Thr1311_Phe1312insTer (NM_001363734.1).
Identifiers: ClinVar variation 1223850 (VCV001223850.3), dbSNP rs2145392365, ClinGen allele CA2499225724.

ClinVar aggregate classification (germline): Pathogenic (1 of 4 stars; one submission).

Submission:

GeneDx
Classification: Pathogenic. Last evaluated: 2019-10-10. Review status: criteria provided, single submitter. Criteria: GeneDx Variant Classification Process June 2021. Collection method: clinical testing. Allele origin: germline. Affected: yes.
Comment: Nonsense variant in the C-terminus predicted to result in protein truncation, as the last 169 amino acids are lost, and other loss-of-function variants have been reported downstream in the Human Gene Mutation Database (Stenson et al., 2014); Not observed in large population cohorts (Lek et al., 2016); Has not been previously published as pathogenic or benign to our knowledge